The following is an entry in ClinVar:

ClinVar aggregate classification (germline): Uncertain significance (1 of 4 stars; one submission).

gnomAD v4.1: 3 of 1,576,146 alleles (0.00019%); highest among the groups gnomAD compares: Admixed American, 0.005%; no homozygotes.

Submission:

GeneDx
Classification: Uncertain significance. Last evaluated: 2025-07-08. Review status: criteria provided, single submitter. Criteria: GeneDx Variant Classification Process June 2021. Collection method: clinical testing. Allele origin: germline. Affected: yes.
Comment: In silico analysis supports that this missense variant has a deleterious effect on protein structure/function; Has not been previously published as pathogenic or benign to our knowledge

NM_000441.2(SLC26A4):c.1634T>G (p.Val545Gly)

Gene: SLC26A4 (solute carrier family 26 member 4; plus strand). Cytogenetic location: 7q22.3.
Variant type: single nucleotide variant.
Coding change: c.1634T>G on transcript NM_000441.2 (MANE Select); coding-DNA position 1634, T replaced by G.
Protein change: p.Val545Gly; replaces valine 545 with glycine.
Molecular consequence: missense variant.
Genome position (GRCh38, 1-based): chr7:107,700,102, T>G. VCF-style: chr7-107700102-T-G. GRCh37 (hg19) VCF-style: chr7-107340547-T-G.
Other names: short protein forms V545G.
Identifiers: ClinVar variation 4685303 (VCV004685303.1).